The following is an entry in ClinVar:

NM_003482.4(KMT2D):c.7613dup (p.Gln2540fs)

Gene: KMT2D (lysine methyltransferase 2D; minus strand). Cytogenetic location: 12q13.12.
Variant type: Duplication.
Coding change: c.7613dup on transcript NM_003482.4 (MANE Select); coding-DNA position 7613, one base duplicated (T; older notation c.7613dupT).
Protein change: p.Gln2540fs; shifts the reading frame from glutamine 2540.
Molecular consequence: frameshift variant.
Genome position (GRCh38, 1-based): chr12:49,040,157, A duplicated on the plus strand (T on the coding strand, the reverse complement: KMT2D is on the minus strand); the first of 3 consecutive A bases (chr12:49,040,157-49,040,159); duplicating any one gives the same sequence. VCF-style (leftmost placement, unchanged base first): chr12-49040156-G-GA. GRCh37 (hg19) VCF-style: chr12-49433939-G-GA.
Other names: c.7613dupT (NM_003482.4); short protein forms Q2540fs.
Identifiers: ClinVar variation 987892 (VCV000987892.2), dbSNP rs1943436869, ClinGen allele CA1139662642.

ClinVar aggregate classification (germline): Pathogenic. Review status: criteria provided, multiple submitters, no conflicts (2 of 4 stars). 2 submissions from 2 submitters: Pathogenic (2). Last evaluated 2020-11-11.

Conditions:
Kabuki syndrome 1 (KABUK1). Also called: KMT2D-Related Kabuki Syndrome. Identifiers: Orphanet 2322, MedGen CN030661, MONDO:0007843, OMIM 147920.

Submissions (2):

Daryl Scott Lab, Baylor College of Medicine
Classification: Pathogenic for Kabuki syndrome 1. Last evaluated: 2020-11-11. Review status: criteria provided, single submitter. Criteria: ACMG Guidelines, 2015. Collection method: clinical testing. Allele origin: de novo. Affected: yes. Observed: 1 variant allele.

Baylor Genetics
Classification: Pathogenic for Kabuki syndrome 1. Last evaluated: 2019-04-15. Review status: criteria provided, single submitter. Criteria: ACMG Guidelines, 2015. Collection method: clinical testing. Allele origin: de novo. Affected: yes.
Comment: This variant was determined to be pathogenic according to ACMG Guidelines, 2015 [PMID:25741868].

Literature cited by the submitters: PubMed 33461977 (cited by Daryl Scott Lab, Baylor College of Medicine).